The following is an entry in ClinVar:

NM_001206927.2(DNAH8):c.5251C>T (p.Arg1751Ter)

Gene: DNAH8 (dynein axonemal heavy chain 8; plus strand). Cytogenetic location: 6p21.2.
Variant type: single nucleotide variant.
Coding change: c.5251C>T on transcript NM_001206927.2 (MANE Select); coding-DNA position 5251, C replaced by T.
Protein change: p.Arg1751Ter; replaces arginine 1751 with a stop codon.
Molecular consequence: nonsense.
Genome position (GRCh38, 1-based): chr6:38,850,302, C>T. VCF-style: chr6-38850302-C-T. GRCh37 (hg19) VCF-style: chr6-38818078-C-T.
Other names: c.4600C>T, p.Arg1534Ter (NM_001371.4); short protein forms R1534*, R1751*.
Identifiers: ClinVar variation 1384798 (VCV001384798.6), dbSNP rs201568629, ClinGen allele CA3789331.

ClinVar aggregate classification (germline): Pathogenic (1 of 4 stars; one submission).

Conditions:
Primary ciliary dyskinesia. Also called: Ciliary dyskinesia. Identifiers: Orphanet 244, MedGen C0008780, MONDO:0016575, HP:0012265.

Allele frequency attached by ClinVar (database versions not stated): ExAC 0.00002; gnomAD exomes 0.00004; TOPMed 0.00006; gnomAD 0.00007 and 0.00008; ESP Exome Variant Server 0.00008.
gnomAD v4.1: 72 of 1,613,162 alleles (0.0045%); highest among the groups gnomAD compares: Middle Eastern, 0.016%; no homozygotes.

Submission:

Labcorp Genetics (formerly Invitae), Labcorp
Classification: Pathogenic for Primary ciliary dyskinesia. Last evaluated: 2025-09-24. Review status: criteria provided, single submitter. Criteria: Invitae Variant Classification Sherloc (09022015). Collection method: clinical testing. Allele origin: germline.
Comment: This sequence change creates a premature translational stop signal (p.Arg1751*) in the DNAH8 gene. It is expected to result in an absent or disrupted protein product. Loss-of-function variants in DNAH8 are known to be pathogenic (PMID: 24307375, 32619401, 32681648). This variant is present in population databases (rs201568629, gnomAD 0.03%). This variant has not been reported in the literature in individuals affected with DNAH8-related conditions. ClinVar contains an entry for this variant (Variation ID: 1384798). Algorithms developed to predict the effect of sequence changes on RNA splicing suggest that this variant may disrupt the consensus splice site. For these reasons, this variant has been classified as Pathogenic.

Literature cited by the submitters: PubMed 24307375; PubMed 32619401; PubMed 32681648.